The following is an entry in ClinVar:

NM_001876.4(CPT1A):c.265C>T (p.Arg89Trp)

Gene: CPT1A (carnitine palmitoyltransferase 1A; minus strand). Cytogenetic location: 11q13.3.
Variant type: single nucleotide variant.
Coding change: c.265C>T on transcript NM_001876.4 (MANE Select); coding-DNA position 265, C replaced by T.
Protein change: p.Arg89Trp; replaces arginine 89 with tryptophan.
Molecular consequence: missense variant.
Genome position (GRCh38, 1-based): chr11:68,812,453, G>A on the plus strand (C>T on the coding strand, the complement: CPT1A is on the minus strand). VCF-style: chr11-68812453-G-A. GRCh37 (hg19) VCF-style: chr11-68579921-G-A.
Other names: c.265C>T (NM_001876.3); c.265C>T, p.Arg89Trp (NM_001031847.3); short protein forms R89W.
Identifiers: ClinVar variation 990121 (VCV000990121.4), dbSNP rs574346392, ClinGen allele CA6152734.

ClinVar aggregate classification (germline): Uncertain significance. Review status: criteria provided, multiple submitters, no conflicts (2 of 4 stars). 3 submissions from 3 submitters: Uncertain significance (2). 1 of the submissions does not count toward it. Last evaluated 2024-05-16.

Conditions:
Carnitine palmitoyl transferase 1A deficiency. Also called: Carnitine palmitoyltransferase type I deficiency; CPT I DEFICIENCY; CPT DEFICIENCY, HEPATIC, TYPE I; CPT deficiency, hepatic, type IA; Carnitine palmitoyltransferase 1A deficiency. Identifiers: Orphanet 156, MedGen C1829703, MONDO:0009705, OMIM 255120.
Inborn genetic diseases. Identifiers: MedGen C0950123, MeSH D030342.

Allele frequency attached by ClinVar (database versions not stated): gnomAD 0.00001; TOPMed 0.00003; gnomAD exomes 0.00004 and 0.00006; ExAC 0.00006; 1000 Genomes Project 30x 0.00016; 1000 Genomes Project 0.00020.
gnomAD v4.1: 89 of 1,614,176 alleles (0.0055%); highest among the groups gnomAD compares: Middle Eastern, 0.049%; no homozygotes.

Submissions (3):

Ambry Genetics
Classification: Uncertain significance for Inborn genetic diseases. Last evaluated: 2024-05-16. Review status: criteria provided, single submitter. Criteria: Ambry Variant Classification Scheme 2023. Collection method: clinical testing. Allele origin: germline.

Labcorp Genetics (formerly Invitae), Labcorp
Classification: Uncertain significance for Carnitine palmitoyl transferase 1A deficiency. Last evaluated: 2022-05-23. Review status: criteria provided, single submitter. Criteria: Invitae Variant Classification Sherloc (09022015). Collection method: clinical testing. Allele origin: germline.
Comment: This sequence change replaces arginine, which is basic and polar, with tryptophan, which is neutral and slightly polar, at codon 89 of the CPT1A protein (p.Arg89Trp). This variant is present in population databases (rs574346392, gnomAD 0.01%). This variant has not been reported in the literature in individuals affected with CPT1A-related conditions. ClinVar contains an entry for this variant (Variation ID: 990121). Algorithms developed to predict the effect of missense changes on protein structure and function are either unavailable or do not agree on the potential impact of this missense change (SIFT: "Tolerated"; PolyPhen-2: "Possibly Damaging"; Align-GVGD: "Class C0"). In summary, the available evidence is currently insufficient to determine the role of this variant in disease. Therefore, it has been classified as a Variant of Uncertain Significance.

Natera, Inc.
Classification: Uncertain significance for Carnitine palmitoyltransferase type I deficiency. Last evaluated: 2020-04-16. Review status: no assertion criteria provided. Collection method: clinical testing. Allele origin: germline. Not counted in ClinVar's aggregate classification.